The following is an entry in ClinVar:

NM_001015877.2(PHF6):c.75C>A (p.Asp25Glu)

Gene: PHF6 (PHD finger protein 6; plus strand). Cytogenetic location: Xq26.2.
Variant type: single nucleotide variant.
Coding change: c.75C>A on transcript NM_001015877.2 (MANE Select); coding-DNA position 75, C replaced by A.
Protein change: p.Asp25Glu; replaces aspartic acid 25 with glutamic acid.
Molecular consequence: missense variant.
Genome position (GRCh38, 1-based): chrX:134,377,692, C>A. VCF-style: chrX-134377692-C-A. GRCh37 (hg19) VCF-style: chrX-133511722-C-A.
Other names: c.75C>A, p.Asp25Glu (NM_032335.3, NM_032458.3); short protein forms D25E.
Identifiers: ClinVar variation 4070677 (VCV004070677.1).

ClinVar aggregate classification (germline): Uncertain significance (1 of 4 stars; one submission).

Submission:

GeneDx
Classification: Uncertain significance. Last evaluated: 2025-01-14. Review status: criteria provided, single submitter. Criteria: GeneDx Variant Classification Process June 2021. Collection method: clinical testing. Allele origin: germline. Affected: yes.
Comment: Not observed at significant frequency in large population cohorts (gnomAD); In silico analysis supports that this missense variant has a deleterious effect on protein structure/function; Has not been previously published as pathogenic or benign to our knowledge